The following is an entry in ClinVar:

ClinVar aggregate classification (germline): Conflicting classifications of pathogenicity. Review status: criteria provided, conflicting classifications (1 of 4 stars). 3 submissions from 3 submitters: Uncertain significance (1); Likely benign (2). Last evaluated 2025-08-03.

Conditions:
Hereditary cancer-predisposing syndrome. Also called: Hereditary Cancer Syndrome; Neoplastic Syndromes, Hereditary; Hereditary neoplastic syndrome; Tumor predisposition. Identifiers: Orphanet 140162, MedGen C0027672, MeSH D009386, MONDO:0015356.

Allele frequency attached by ClinVar (database versions not stated): gnomAD exomes 0.00002.
gnomAD v4.1: 32 of 1,612,200 alleles (0.002%); highest among the groups gnomAD compares: Non-Finnish European, 0.0027%; no homozygotes.

Submissions (3):

Labcorp Genetics (formerly Invitae), Labcorp
Classification: Likely benign. Last evaluated: 2025-08-03. Review status: criteria provided, single submitter. Criteria: Invitae Variant Classification Sherloc (09022015). Collection method: clinical testing. Allele origin: germline.

GeneDx
Classification: Uncertain significance. Last evaluated: 2024-12-23. Review status: criteria provided, single submitter. Criteria: GeneDx Variant Classification Process June 2021. Collection method: clinical testing. Allele origin: germline. Affected: yes.
Comment: Not observed at significant frequency in large population cohorts (gnomAD); In silico analysis indicates that this variant does not alter splicing; Has not been previously published as pathogenic or benign to our knowledge

Ambry Genetics
Classification: Likely benign for Hereditary cancer-predisposing syndrome. Last evaluated: 2021-07-27. Review status: criteria provided, single submitter. Criteria: Ambry Variant Classification Scheme 2023. Collection method: clinical testing. Allele origin: germline.

NM_002528.7(NTHL1):c.564G>A (p.Leu188=)

Gene: NTHL1 (nth like DNA glycosylase 1; minus strand). Cytogenetic location: 16p13.3.
Variant type: single nucleotide variant.
Coding change: c.564G>A on transcript NM_002528.7 (MANE Select); coding-DNA position 564, G replaced by A.
Protein change: p.Leu188=; no amino-acid change (leucine 188 retained).
Molecular consequence: synonymous variant.
Genome position (GRCh38, 1-based): chr16:2,043,688, C>T on the plus strand (G>A on the coding strand, the complement: NTHL1 is on the minus strand). VCF-style: chr16-2043688-C-T. GRCh37 (hg19) VCF-style: chr16-2093689-C-T.
Other names: c.393G>A, p.Leu131= (NM_001318193.2); c.234G>A, p.Leu78= (NM_001318194.2).
Identifiers: ClinVar variation 1091759 (VCV001091759.14), dbSNP rs1596219422, ClinGen allele CA492952215.